The following is an entry in ClinVar:

ClinVar aggregate classification (germline): Pathogenic. Review status: criteria provided, single submitter (1 of 4 stars). 2 submissions from 2 submitters: Pathogenic (1). 1 of the submissions does not count toward it. Last evaluated 2025-06-02.

Conditions:
Megaloblastic anemia, thiamine-responsive, with diabetes mellitus and sensorineural deafness (TRMA). Also called: Thiamine-Responsive Megaloblastic Anemia Syndrome; ROGERS SYNDROME; THIAMINE-RESPONSIVE ANEMIA SYNDROME; THIAMINE-RESPONSIVE MYELODYSPLASIA; THIAMINE METABOLISM DYSFUNCTION SYNDROME 1 (MEGALOBLASTIC ANEMIA, DIABETES MELLITUS, AND DEAFNESS TYPE). Identifiers: Orphanet 49827, MedGen C0342287, MONDO:0009575, OMIM 249270.

Allele frequency attached by ClinVar (database versions not stated): 1000 Genomes Project 30x 0.00016; 1000 Genomes Project 0.00020.

Submissions (2):

Labcorp Genetics (formerly Invitae), Labcorp
Classification: Pathogenic. Last evaluated: 2025-06-02. Review status: criteria provided, single submitter. Criteria: Invitae Variant Classification Sherloc (09022015). Collection method: clinical testing. Allele origin: germline.
Comment: This sequence change creates a premature translational stop signal (p.Trp250*) in the SLC19A2 gene. It is expected to result in an absent or disrupted protein product. Loss-of-function variants in SLC19A2 are known to be pathogenic (PMID: 10391221, 10391223, 10874303). This variant is present in population databases (rs74315374, gnomAD 0.003%). This premature translational stop signal has been observed in individual(s) with thiamine-responsive megaloblastic anemia (PMID: 10391221). ClinVar contains an entry for this variant (Variation ID: 5958). For these reasons, this variant has been classified as Pathogenic.

OMIM
Classification: Pathogenic for THIAMINE-RESPONSIVE MEGALOBLASTIC ANEMIA SYNDROME. Last evaluated: 1999-07-01. Review status: no assertion criteria provided. Collection method: literature only. Allele origin: germline. Not counted in ClinVar's aggregate classification.

Literature cited by the submitters: PubMed 10391221 (cited by Labcorp Genetics (formerly Invitae), Labcorp and OMIM); PubMed 10391223 (cited by Labcorp Genetics (formerly Invitae), Labcorp); PubMed 10874303 (cited by Labcorp Genetics (formerly Invitae), Labcorp).

NM_006996.3(SLC19A2):c.750G>A (p.Trp250Ter)

Gene: SLC19A2 (solute carrier family 19 member 2; minus strand). Cytogenetic location: 1q24.2.
Variant type: single nucleotide variant.
Coding change: c.750G>A on transcript NM_006996.3 (MANE Select); coding-DNA position 750, G replaced by A.
Protein change: p.Trp250Ter; replaces tryptophan 250 with a stop codon.
Molecular consequence: nonsense. On other transcripts: intron variant (1).
Genome position (GRCh38, 1-based): chr1:169,477,212, C>T on the plus strand (G>A on the coding strand, the complement: SLC19A2 is on the minus strand). VCF-style: chr1-169477212-C-T. GRCh37 (hg19) VCF-style: chr1-169446450-C-T.
Other names: c.205-7026G>A (NM_001319667.1); short protein forms W250*.
Identifiers: ClinVar variation 5958 (VCV000005958.6), dbSNP rs74315374, ClinGen allele CA253659.
Genomic context (GRCh38, chr1:169,477,212, plus strand): 5'-TACCGGTTCCTCCACGGGAGGCTCCTCCATATTTAGAGGGATTTTTGACTCAATGTCCTC[C>T]CAGCCAGGAAGGTGGTTAGAAGCTGGGGTGTCAGTAACAATGCCACCATTTTGTACCTTG-3'